The following is an entry in ClinVar:

NM_000548.5(TSC2):c.5103G>C (p.Lys1701Asn)

Gene: TSC2 (TSC complex subunit 2; plus strand). Cytogenetic location: 16p13.3.
Variant type: single nucleotide variant.
Coding change: c.5103G>C on transcript NM_000548.5 (MANE Select); coding-DNA position 5103, G replaced by C.
Protein change: p.Lys1701Asn; replaces lysine 1701 with asparagine.
Molecular consequence: missense variant.
Genome position (GRCh38, 1-based): chr16:2,088,082, G>C. VCF-style: chr16-2088082-G-C. GRCh37 (hg19) VCF-style: chr16-2138083-G-C.
Other names: c.4902G>C, p.Lys1634Asn (NM_001077183.3); c.5034G>C, p.Lys1678Asn (NM_001114382.3); c.4794G>C, p.Lys1598Asn (NM_001318827.2); c.4758G>C, p.Lys1586Asn (NM_001318829.2); c.4371G>C, p.Lys1457Asn (NM_001318831.2); c.4935G>C, p.Lys1645Asn (NM_001318832.2); c.4905G>C, p.Lys1635Asn (NM_001363528.2); c.4971G>C, p.Lys1657Asn (NM_001370404.1); and 26 more; short protein forms K1100N, K1186N, K1187N, K1209N, K1210N, K1230N, K1434N, K1435N.
Identifiers: ClinVar variation 1718416 (VCV001718416.10), dbSNP rs768476974, ClinGen allele CA276758891.

ClinVar aggregate classification (germline): Uncertain significance. Review status: criteria provided, multiple submitters, no conflicts (2 of 4 stars). 3 submissions from 3 submitters: Uncertain significance (3). Last evaluated 2025-09-04.

Conditions:
Tuberous sclerosis 2 (TSC2). Identifiers: Orphanet 805, MedGen C1860707, MONDO:0013199, OMIM 613254.
Hereditary cancer-predisposing syndrome. Also called: Hereditary neoplastic syndrome; Hereditary Cancer Syndrome; Tumor predisposition; Neoplastic Syndromes, Hereditary. Identifiers: Orphanet 140162, MedGen C0027672, MeSH D009386, MONDO:0015356.

gnomAD v4.1: 2 of 1,612,806 alleles (0.00012%); highest among the groups gnomAD compares: Non-Finnish European, 0.00017%; no homozygotes.

Submissions (3):

Ambry Genetics
Classification: Uncertain significance for Hereditary cancer-predisposing syndrome. Last evaluated: 2025-09-04. Review status: criteria provided, single submitter. Criteria: Ambry Variant Classification Scheme 2023. Collection method: clinical testing. Allele origin: germline.
Comment: The p.K1701N variant (also known as c.5103G>C), located in coding exon 39 of the TSC2 gene, results from a G to C substitution at nucleotide position 5103. The lysine at codon 1701 is replaced by asparagine, an amino acid with similar properties. This amino acid position is highly conserved in available vertebrate species. In addition, the in silico prediction for this alteration is inconclusive. Since supporting evidence is limited at this time, the clinical significance of this alteration remains unclear.

Labcorp Genetics (formerly Invitae), Labcorp
Classification: Uncertain significance for Tuberous sclerosis 2. Last evaluated: 2025-07-30. Review status: criteria provided, single submitter. Criteria: Invitae Variant Classification Sherloc (09022015). Collection method: clinical testing. Allele origin: germline.
Comment: This sequence change replaces lysine, which is basic and polar, with asparagine, which is neutral and polar, at codon 1701 of the TSC2 protein (p.Lys1701Asn). This variant is not present in population databases (gnomAD no frequency). This variant has not been reported in the literature in individuals affected with TSC2-related conditions. ClinVar contains an entry for this variant (Variation ID: 1718416). Invitae Evidence Modeling of protein sequence and biophysical properties (such as structural, functional, and spatial information, amino acid conservation, physicochemical variation, residue mobility, and thermodynamic stability) indicates that this missense variant is not expected to disrupt TSC2 protein function with a negative predictive value of 95%. In summary, the available evidence is currently insufficient to determine the role of this variant in disease. Therefore, it has been classified as a Variant of Uncertain Significance.

Blueprint Genetics
Classification: Uncertain significance. Last evaluated: 2021-03-23. Review status: criteria provided, single submitter. Criteria: ACMG Guidelines, 2015. Collection method: clinical testing. Allele origin: germline.